The following is an entry in ClinVar:

ClinVar aggregate classification (germline): Uncertain significance (1 of 4 stars; one submission).

Conditions:
Congenital disorder of glycosylation type 1E (CDG1E). Also called: CDG Ie; CONGENITAL DISORDER OF GLYCOSYLATION, TYPE Ie. Identifiers: Orphanet 79322, MedGen C1837396, MONDO:0012123, OMIM 608799.

Allele frequency attached by ClinVar (database versions not stated): gnomAD 0.00001; TOPMed 0.00001; ExAC 0.00003; gnomAD exomes 0.00004.
gnomAD v4.1: 30 of 1,613,878 alleles (0.0019%); highest among the groups gnomAD compares: South Asian, 0.018%; no homozygotes.

Submission:

Labcorp Genetics (formerly Invitae), Labcorp
Classification: Uncertain significance for Congenital disorder of glycosylation type 1E. Last evaluated: 2022-07-22. Review status: criteria provided, single submitter. Criteria: Invitae Variant Classification Sherloc (09022015). Collection method: clinical testing. Allele origin: germline.
Comment: This sequence change replaces leucine, which is neutral and non-polar, with valine, which is neutral and non-polar, at codon 17 of the DPM1 protein (p.Leu17Val). This variant is present in population databases (rs761143591, gnomAD 0.02%). This variant has not been reported in the literature in individuals affected with DPM1-related conditions. ClinVar contains an entry for this variant (Variation ID: 1493623). Algorithms developed to predict the effect of missense changes on protein structure and function are either unavailable or do not agree on the potential impact of this missense change (SIFT: "Tolerated"; PolyPhen-2: "Not Available"; Align-GVGD: "Class C0"). In summary, the available evidence is currently insufficient to determine the role of this variant in disease. Therefore, it has been classified as a Variant of Uncertain Significance.

NM_003859.3(DPM1):c.49C>G (p.Leu17Val)

Genes: DPM1 (dolichyl-phosphate mannosyltransferase subunit 1, catalytic; minus strand), LOC130066166 (ATAC-STARR-seq lymphoblastoid active region 18108; plus strand). Cytogenetic location: 20q13.13.
Variant type: single nucleotide variant.
Coding change: c.49C>G on transcript NM_003859.3 (MANE Select); coding-DNA position 49, C replaced by G.
Protein change: p.Leu17Val; replaces leucine 17 with valine.
Molecular consequence: missense variant. On other transcripts: non-coding transcript variant (1).
Genome position (GRCh38, 1-based): chr20:50,958,475, G>C on the plus strand (C>G on the coding strand, the complement: DPM1 is on the minus strand). VCF-style: chr20-50958475-G-C. GRCh37 (hg19) VCF-style: chr20-49575012-G-C.
Other names: c.49C>G, p.Leu17Val (NM_001317034.1, NM_001317035.1, NM_001317036.1); short protein forms L17V.
Identifiers: ClinVar variation 1493623 (VCV001493623.5), dbSNP rs761143591, ClinGen allele CA9909257.